The following is an entry in ClinVar:

ClinVar aggregate classification (germline): Uncertain significance (1 of 4 stars; one submission).

gnomAD v4.1: 1 of 1,613,330 alleles (0.000062%); highest among the groups gnomAD compares: Non-Finnish European, 0.000085%; no homozygotes.

Submission:

GeneDx
Classification: Uncertain significance. Last evaluated: 2024-10-01. Review status: criteria provided, single submitter. Criteria: GeneDx Variant Classification Process June 2021. Collection method: clinical testing. Allele origin: germline. Affected: yes.
Comment: Not observed at significant frequency in large population cohorts (gnomAD); In silico analysis supports that this missense variant has a deleterious effect on protein structure/function; In silico analysis supports a deleterious effect on splicing; Has not been previously published as pathogenic or benign to our knowledge

NM_007215.4(POLG2):c.1293G>C (p.Lys431Asn)

Genes: POLG2 (DNA polymerase gamma 2, accessory subunit; minus strand), MILR1 (mast cell immunoglobulin like receptor 1; plus strand). Cytogenetic location: 17q23.3.
Variant type: single nucleotide variant.
Coding change: c.1293G>C on transcript NM_007215.4 (MANE Select); coding-DNA position 1293, G replaced by C.
Protein change: p.Lys431Asn; replaces lysine 431 with asparagine.
Molecular consequence: missense variant.
Genome position (GRCh38, 1-based): chr17:64,477,988, C>G on the plus strand (G>C on the coding strand, the complement: POLG2 is on the minus strand). VCF-style: chr17-64477988-C-G. GRCh37 (hg19) VCF-style: chr17-62474105-C-G.
Other names: p.K431N:AAG>AAC; short protein forms K431N.
Identifiers: ClinVar variation 215026 (VCV000215026.3), dbSNP rs863224170, ClinGen allele CA323650.